The following is an entry in ClinVar:

ClinVar aggregate classification (germline): Likely pathogenic. Review status: criteria provided, multiple submitters, no conflicts (2 of 4 stars). 2 submissions from 2 submitters: Likely pathogenic (2). Last evaluated 2026-04-06.

Conditions:
Early-infantile DEE. Also called: Early infantile epileptic encephalopathy; Ohtahara syndrome; Early infantile epileptic encephalopathy with suppression bursts. Identifiers: Orphanet 1934, MedGen C0393706, MONDO:0800491.
SCN1A-related disorder. Also called: SCN1A-related conditions; SCN1A-related condition; SCN1A-related disorders.

Submissions (2):

PreventionGenetics, part of Exact Sciences
Classification: Likely pathogenic for SCN1A-related condition. Last evaluated: 2026-04-06. Review status: criteria provided, single submitter. Criteria: ACMG Guidelines, 2015. Collection method: clinical testing. Allele origin: germline.
Comment: The SCN1A c.4465C>G variant is predicted to result in the amino acid substitution p.Gln1489Glu. To our knowledge, this variant has not been reported in the literature or in a large population database (gnomAD), indicating this variant is rare. Different missense variants affecting the same amino acid residue (p.Gln1489Lys and p.Gln1489His) were reported in individuals with hemiplegic migraine and segregated with disease within families (Vahedi et al. 2009. PubMed ID: 19332696; Dichgans et al. 2005. PubMed ID: 16054936). In addition, the p.Gln1489Lys change altered the gating properties of the Nav1.1 isoform (also referred to as Q1478K on a different isoform, Cestèle et al. 2008. PubMed ID: 18632931; Dichgans et al. 2005. PubMed ID: 16054936). Taken together, the c.4465C>G (p.Gln1489Glu) variant is interpreted as likely pathogenic.

Labcorp Genetics (formerly Invitae), Labcorp
Classification: Likely pathogenic for Early-infantile DEE. Last evaluated: 2024-03-06. Review status: criteria provided, single submitter. Criteria: Invitae Variant Classification Sherloc (09022015). Collection method: clinical testing. Allele origin: germline.
Comment: This sequence change replaces glutamine, which is neutral and polar, with glutamic acid, which is acidic and polar, at codon 1489 of the SCN1A protein (p.Gln1489Glu). This variant is not present in population databases (gnomAD no frequency). This missense change has been observed in individual(s) with clinical features of SCN1A-related conditions (Invitae). Advanced modeling of protein sequence and biophysical properties (such as structural, functional, and spatial information, amino acid conservation, physicochemical variation, residue mobility, and thermodynamic stability) performed at Invitae indicates that this missense variant is expected to disrupt SCN1A protein function with a positive predictive value of 95%. This variant disrupts the p.Gln1489 amino acid residue in SCN1A. Other variant(s) that disrupt this residue have been determined to be pathogenic (PMID: 16054936, 18632931). This suggests that this residue is clinically significant, and that variants that disrupt this residue are likely to be disease-causing. In summary, the currently available evidence indicates that the variant is pathogenic, but additional data are needed to prove that conclusively. Therefore, this variant has been classified as Likely Pathogenic.

Literature cited by the submitters: PubMed 16054936 (cited by Labcorp Genetics (formerly Invitae), Labcorp); PubMed 18632931 (cited by Labcorp Genetics (formerly Invitae), Labcorp).

NM_001165963.4(SCN1A):c.4465C>G (p.Gln1489Glu)

Genes: SCN1A (sodium voltage-gated channel alpha subunit 1; minus strand), LOC102724058 (uncharacterized LOC102724058; plus strand). Cytogenetic location: 2q24.3.
Variant type: single nucleotide variant.
Coding change: c.4465C>G on transcript NM_001165963.4 (MANE Select); coding-DNA position 4465, C replaced by G.
Protein change: p.Gln1489Glu; replaces glutamine 1489 with glutamic acid.
Molecular consequence: missense variant. On other transcripts: non-coding transcript variant (1).
Genome position (GRCh38, 1-based): chr2:165,998,049, G>C on the plus strand (C>G on the coding strand, the complement: SCN1A is on the minus strand). VCF-style: chr2-165998049-G-C. GRCh37 (hg19) VCF-style: chr2-166854559-G-C.
Other names: c.4381C>G, p.Gln1461Glu (NM_001165964.3, NM_001353957.2, NM_001353958.2); c.4465C>G, p.Gln1489Glu (NM_001202435.3, NM_001353948.2); c.4432C>G, p.Gln1478Glu (NM_001353949.2, NM_001353950.2, NM_001353951.2 and 2 more transcripts); c.4429C>G, p.Gln1477Glu (NM_001353954.2, NM_001353955.2); c.4378C>G, p.Gln1460Glu (NM_001353960.2); c.2023C>G, p.Gln675Glu (NM_001353961.2); c.4465C>G (NM_001202435.1); short protein forms Q1489E, Q675E, Q1461E, Q1477E, Q1460E, Q1478E.
Identifiers: ClinVar variation 3634011 (VCV003634011.3).